The following is an entry in ClinVar:

NM_001127671.2(LIFR):c.1298C>T (p.Pro433Leu)

Gene: LIFR (LIF receptor subunit alpha; minus strand). Cytogenetic location: 5p13.1.
Variant type: single nucleotide variant.
Coding change: c.1298C>T on transcript NM_001127671.2 (MANE Select); coding-DNA position 1298, C replaced by T.
Protein change: p.Pro433Leu; replaces proline 433 with leucine.
Molecular consequence: missense variant.
Genome position (GRCh38, 1-based): chr5:38,504,115, G>A on the plus strand (C>T on the coding strand, the complement: LIFR is on the minus strand). VCF-style: chr5-38504115-G-A. GRCh37 (hg19) VCF-style: chr5-38504217-G-A.
Other names: c.1298C>T, p.Pro433Leu (NM_001364297.2, NM_001364298.2, NM_002310.6); short protein forms P433L.
Identifiers: ClinVar variation 2055167 (VCV002055167.1), dbSNP rs761994189, ClinGen allele CA3242976.
Genomic context (GRCh38, chr5:38,504,115, plus strand): 5'-CAAGAAAGTTTAACAGCTGTTGAATTAATATCCTTCACTTTGAATGAAGTAGGAGTATGG[G>A]GATAAACTGCAAATATAATTTTTAAAGATTAAACACTTATTTAAAGGGAAAAACTATCTT-3'
Protein context (NP_001121143.1, residues 423-443): ILVNITEKVY[Pro433Leu]HTPTSFKVKD

ClinVar aggregate classification (germline): Uncertain significance (1 of 4 stars; one submission).

Allele frequency attached by ClinVar (database versions not stated): gnomAD exomes 0.00003; TOPMed 0.00003; gnomAD 0.00004; ExAC 0.00005.
gnomAD v4.1: 47 of 1,550,330 alleles (0.003%); highest among the groups gnomAD compares: South Asian, 0.01%; no homozygotes.

Submission:

Labcorp Genetics (formerly Invitae), Labcorp
Classification: Uncertain significance. Last evaluated: 2022-10-05. Review status: criteria provided, single submitter. Criteria: Invitae Variant Classification Sherloc (09022015). Collection method: clinical testing. Allele origin: germline.
Comment: This sequence change replaces proline, which is neutral and non-polar, with leucine, which is neutral and non-polar, at codon 433 of the LIFR protein (p.Pro433Leu). This variant is present in population databases (rs761994189, gnomAD 0.006%). This variant has not been reported in the literature in individuals affected with LIFR-related conditions. Algorithms developed to predict the effect of missense changes on protein structure and function output the following: SIFT: "Tolerated"; PolyPhen-2: "Benign"; Align-GVGD: "Class C0". The leucine amino acid residue is found in multiple mammalian species, which suggests that this missense change does not adversely affect protein function. In summary, the available evidence is currently insufficient to determine the role of this variant in disease. Therefore, it has been classified as a Variant of Uncertain Significance.